The following is an entry in ClinVar:

NM_002386.4(MC1R):c.100C>T (p.Arg34Trp)

Gene: MC1R (melanocortin 1 receptor; plus strand). Cytogenetic location: 16q24.3.
Variant type: single nucleotide variant.
Coding change: c.100C>T on transcript NM_002386.4 (MANE Select); coding-DNA position 100, C replaced by T.
Protein change: p.Arg34Trp; replaces arginine 34 with tryptophan.
Molecular consequence: missense variant.
Genome position (GRCh38, 1-based): chr16:89,919,358, C>T. VCF-style: chr16-89919358-C-T. GRCh37 (hg19) VCF-style: chr16-89985766-C-T.
Other names: short protein forms R34W.
Identifiers: ClinVar variation 885665 (VCV000885665.13), dbSNP rs376679503, ClinGen allele CA8255482.

ClinVar aggregate classification (germline): Uncertain significance. Review status: criteria provided, multiple submitters, no conflicts (2 of 4 stars). 2 submissions from 2 submitters: Uncertain significance (2). Last evaluated 2025-08-20.

Conditions:
Melanoma, cutaneous malignant, susceptibility to, 5. Also called: Cutaneous malignant melanoma 5. Identifiers: Orphanet 618, MedGen C2751295, MONDO:0013133, OMIM 613099.

Allele frequency attached by ClinVar (database versions not stated): ExAC 0.00001; gnomAD 0.00002; gnomAD exomes 0.00002 and 0.00005; TOPMed 0.00002; ESP Exome Variant Server 0.00016.
gnomAD v4.1: 78 of 1,612,922 alleles (0.0048%); highest among the groups gnomAD compares: South Asian, 0.0066%; no homozygotes.

Submissions (2):

Labcorp Genetics (formerly Invitae), Labcorp
Classification: Uncertain significance for Melanoma, cutaneous malignant, susceptibility to, 5. Last evaluated: 2025-08-20. Review status: criteria provided, single submitter. Criteria: Invitae Variant Classification Sherloc (09022015). Collection method: clinical testing. Allele origin: germline.
Comment: This sequence change replaces arginine, which is basic and polar, with tryptophan, which is neutral and slightly polar, at codon 34 of the MC1R protein (p.Arg34Trp). This variant is present in population databases (rs376679503, gnomAD 0.003%). This variant has not been reported in the literature in individuals affected with MC1R-related conditions. ClinVar contains an entry for this variant (Variation ID: 885665). An algorithm developed to predict the effect of missense changes on protein structure and function outputs the following: PolyPhen-2: "Benign". The tryptophan amino acid residue is found in multiple mammalian species, which suggests that this missense change does not adversely affect protein function. In summary, the available evidence is currently insufficient to determine the role of this variant in disease. Therefore, it has been classified as a Variant of Uncertain Significance.

Illumina Laboratory Services, Illumina
Classification: Uncertain significance for Melanoma, cutaneous malignant, susceptibility to, 5. Last evaluated: 2017-04-28. Review status: criteria provided, single submitter. Criteria: ICSL Variant Classification Criteria 13 December 2019. Collection method: clinical testing. Allele origin: germline.